The following is an entry in ClinVar:

NM_012200.4(B3GAT3):c.277C>G (p.Leu93Val)

Gene: B3GAT3 (beta-1,3-glucuronyltransferase 3; minus strand). Cytogenetic location: 11q12.3.
Variant type: single nucleotide variant.
Coding change: c.277C>G on transcript NM_012200.4 (MANE Select); coding-DNA position 277, C replaced by G.
Protein change: p.Leu93Val; replaces leucine 93 with valine.
Molecular consequence: missense variant. On other transcripts: non-coding transcript variant (1).
Genome position (GRCh38, 1-based): chr11:62,617,328, G>C on the plus strand (C>G on the coding strand, the complement: B3GAT3 is on the minus strand). VCF-style: chr11-62617328-G-C. GRCh37 (hg19) VCF-style: chr11-62384800-G-C.
Other names: c.256C>G, p.Leu86Val (NM_001288721.2); c.277C>G, p.Leu93Val (NM_001288722.2, NM_001288723.2); short protein forms L86V, L93V.
Identifiers: ClinVar variation 4813555 (VCV004813555.1).

ClinVar aggregate classification (germline): Pathogenic (1 of 4 stars; one submission).

Conditions:
Larsen-like syndrome, B3GAT3 type. Also called: Multiple joint dislocations, short stature, craniofacial dysmorphism, with or without congenital heart defects; MULTIPLE JOINT DISLOCATIONS, SHORT STATURE, AND CRANIOFACIAL DYSMORPHISM WITH OR WITHOUT CONGENITAL HEART DEFECTS. Identifiers: Orphanet 284139, MedGen CN034159, MONDO:0009511, OMIM 245600.

gnomAD v4.1: 5 of 1,612,822 alleles (0.00031%); highest among the groups gnomAD compares: Non-Finnish European, 0.00042%; no homozygotes.

Submission:

Mendelics
Classification: Pathogenic for Larsen-like syndrome, B3GAT3 type. Last evaluated: 2026-03-05. Review status: criteria provided, single submitter. Criteria: ACMG Guidelines, 2015. Collection method: clinical testing. Allele origin: unknown.
Comment: Likely pathogenic/Pathogenic according to ACMG criteria.